The following is an entry in ClinVar:

ClinVar aggregate classification (germline): Uncertain significance. Review status: criteria provided, multiple submitters, no conflicts (2 of 4 stars). 2 submissions from 2 submitters: Uncertain significance (2). Last evaluated 2024-03-27.

Conditions:
Myoglobinuria, acute recurrent, autosomal recessive. Also called: MYOGLOBINURIA, FAMILIAL PAROXYSMAL PARALYTIC; RHABDOMYOLYSIS, ACUTE RECURRENT; Myoglobinuria, recurrent, autosomal recessive. Identifiers: Orphanet 99845, MedGen C1849386, MONDO:0009992, OMIM 268200.

Allele frequency attached by ClinVar (database versions not stated): ExAC 0.00001; TOPMed 0.00008; gnomAD 0.00009; 1000 Genomes Project 30x 0.00031; 1000 Genomes Project 0.00040.
gnomAD v4.1: 48 of 1,613,898 alleles (0.003%); highest among the groups gnomAD compares: African/African-American, 0.047%; no homozygotes.

Submissions (2):

Fulgent Genetics
Classification: Uncertain significance for Myoglobinuria, acute recurrent, autosomal recessive. Last evaluated: 2024-03-27. Review status: criteria provided, single submitter. Criteria: ACMG Guidelines, 2015. Collection method: clinical testing. Allele origin: germline.

Labcorp Genetics (formerly Invitae), Labcorp
Classification: Uncertain significance. Last evaluated: 2022-06-05. Review status: criteria provided, single submitter. Criteria: Invitae Variant Classification Sherloc (09022015). Collection method: clinical testing. Allele origin: germline.
Comment: This sequence change replaces histidine, which is basic and polar, with proline, which is neutral and non-polar, at codon 426 of the LPIN1 protein (p.His426Pro). This variant is present in population databases (rs185891077, gnomAD 0.01%). This variant has not been reported in the literature in individuals affected with LPIN1-related conditions. Algorithms developed to predict the effect of missense changes on protein structure and function output the following: SIFT: "Tolerated"; PolyPhen-2: "Benign"; Align-GVGD: "Class C0". The proline amino acid residue is found in multiple mammalian species, which suggests that this missense change does not adversely affect protein function. In summary, the available evidence is currently insufficient to determine the role of this variant in disease. Therefore, it has been classified as a Variant of Uncertain Significance.

NM_001349206.2(LPIN1):c.1385A>C (p.His462Pro)

Genes: LPIN1 (lipin 1; plus strand), LOC122756382 (Sharpr-MPRA regulatory region 7856; plus strand). Cytogenetic location: 2p25.1.
Variant type: single nucleotide variant.
Coding change: c.1385A>C on transcript NM_001349206.2 (MANE Select); coding-DNA position 1385, A replaced by C.
Protein change: p.His462Pro; replaces histidine 462 with proline.
Molecular consequence: missense variant. On other transcripts: non-coding transcript variant (1).
Genome position (GRCh38, 1-based): chr2:11,784,912, A>C. VCF-style: chr2-11784912-A-C. GRCh37 (hg19) VCF-style: chr2-11925038-A-C.
Other names: c.1295A>C, p.His432Pro (NM_001261427.3); c.1532A>C, p.His511Pro (NM_001261428.3); c.1277A>C, p.His426Pro (NM_001349199.2, NM_001349200.2, NM_001349201.2 and 1 more transcripts); c.1382A>C, p.His461Pro (NM_001349202.2, NM_001349203.2); c.1385A>C, p.His462Pro (NM_001349204.2, NM_001349205.2); c.1475A>C, p.His492Pro (NM_001349207.2); c.1424A>C, p.His475Pro (NM_001349208.2); short protein forms H432P, H461P, H475P, H426P, H511P, H462P, H492P.
Identifiers: ClinVar variation 2062406 (VCV002062406.2), dbSNP rs185891077, ClinGen allele CA1533708.